The following is an entry in ClinVar:

ClinVar aggregate classification (germline): Conflicting classifications of pathogenicity. Review status: criteria provided, conflicting classifications (1 of 4 stars). 4 submissions from 4 submitters: Uncertain significance (3); Likely benign (1). Last evaluated 2026-06-12.

Conditions:
Inborn genetic diseases. Identifiers: MedGen C0950123, MeSH D030342.

Allele frequency attached by ClinVar (database versions not stated): ExAC 0.00005; gnomAD 0.00005; TOPMed 0.00005; gnomAD exomes 0.00007; ESP Exome Variant Server 0.00008.
gnomAD v4.1: 112 of 1,614,024 alleles (0.0069%); highest among the groups gnomAD compares: Middle Eastern, 0.049%; no homozygotes.

Submissions (4):

Women's Health and Genetics/Laboratory Corporation of America, LabCorp
Classification: Uncertain significance. Last evaluated: 2026-06-12. Review status: criteria provided, single submitter. Criteria: LabCorp Variant Classification Summary - May 2015. Collection method: clinical testing. Allele origin: germline.
Comment: Variant summary: GP1BA c.1903C>T (p.Arg635Cys) results in a non-conservative amino acid change in the encoded protein sequence. Algorithms developed to predict the effect of missense changes on protein structure and function are either unavailable or do not agree on the potential impact of this missense change. The variant allele was found at a frequency of 3.2e-05 in 248640 control chromosomes. The available data on variant occurrences in the general population are insufficient to allow any conclusion about variant significance. To our knowledge, no occurrence of c.1903C>T in individuals affected with GP1BA-related conditions and no experimental evidence demonstrating its impact on protein function have been reported. ClinVar contains an entry for this variant (Variation ID: 3101035). Based on the evidence outlined above, the variant was classified as uncertain significance.

Center for Genomic Medicine, Rigshospitalet, Copenhagen University Hospital
Classification: Likely benign. Last evaluated: 2025-12-29. Review status: criteria provided, single submitter. Criteria: ACMG Guidelines, 2015. Collection method: clinical testing. Allele origin: germline.

Blueprint Genetics
Classification: Uncertain significance. Last evaluated: 2024-05-13. Review status: criteria provided, single submitter. Criteria: ACMG Guidelines, 2015. Collection method: clinical testing. Allele origin: germline.

Ambry Genetics
Classification: Uncertain significance for Inborn genetic diseases. Last evaluated: 2023-12-21. Review status: criteria provided, single submitter. Criteria: Ambry Variant Classification Scheme 2023. Collection method: clinical testing. Allele origin: germline.

NM_000173.7(GP1BA):c.1903C>T (p.Arg635Cys)

Genes: GP1BA (glycoprotein Ib platelet subunit alpha; plus strand), LOC130060044 (ATAC-STARR-seq lymphoblastoid active region 11554; plus strand). Cytogenetic location: 17p13.2.
Variant type: single nucleotide variant.
Coding change: c.1903C>T on transcript NM_000173.7 (MANE Select); coding-DNA position 1903, C replaced by T.
Protein change: p.Arg635Cys; replaces arginine 635 with cysteine.
Molecular consequence: missense variant.
Genome position (GRCh38, 1-based): chr17:4,934,507, C>T. VCF-style: chr17-4934507-C-T. GRCh37 (hg19) VCF-style: chr17-4837802-C-T.
Other names: short protein forms R635C.
Identifiers: ClinVar variation 3101035 (VCV003101035.6), dbSNP rs201621946, ClinGen allele CA8315104.
Genomic context (GRCh38, chr17:4,934,507, plus strand): 5'-CCTAATGGCCGTGTGGGGCCTCTAGTGGCAGGAAGGAGGCCCTCAGCTCTGAGTCAGGGT[C>T]GTGGTCAGGACCTGCTGAGCACAGTGAGCATTAGGTACTCTGGCCACAGCCTCTGAGGGT-3'
Protein context (NP_000164.5, residues 625-645): GRRPSALSQG[Arg635Cys]GQDLLSTVSI